The following is an entry in ClinVar:

ClinVar aggregate classification (germline): Uncertain significance (1 of 4 stars; one submission).

Conditions:
Familial hemiplegic migraine. Identifiers: MedGen C0338484, MONDO:0000700.

Submission:

Labcorp Genetics (formerly Invitae), Labcorp
Classification: Uncertain significance for Familial hemiplegic migraine. Last evaluated: 2023-06-28. Review status: criteria provided, single submitter. Criteria: Invitae Variant Classification Sherloc (09022015). Collection method: clinical testing. Allele origin: germline.
Comment: Advanced modeling of protein sequence and biophysical properties (such as structural, functional, and spatial information, amino acid conservation, physicochemical variation, residue mobility, and thermodynamic stability) performed at Invitae indicates that this missense variant is expected to disrupt ATP1A2 protein function. This variant has not been reported in the literature in individuals affected with ATP1A2-related conditions. This variant is not present in population databases (gnomAD no frequency). In summary, the available evidence is currently insufficient to determine the role of this variant in disease. Therefore, it has been classified as a Variant of Uncertain Significance. This sequence change replaces tryptophan, which is neutral and slightly polar, with cysteine, which is neutral and slightly polar, at codon 103 of the ATP1A2 protein (p.Trp103Cys).

NM_000702.4(ATP1A2):c.309G>C (p.Trp103Cys)

Gene: ATP1A2 (ATPase Na+/K+ transporting subunit alpha 2; plus strand). Cytogenetic location: 1q23.2.
Variant type: single nucleotide variant.
Coding change: c.309G>C on transcript NM_000702.4 (MANE Select); coding-DNA position 309, G replaced by C.
Protein change: p.Trp103Cys; replaces tryptophan 103 with cysteine.
Molecular consequence: missense variant.
Genome position (GRCh38, 1-based): chr1:160,123,344, G>C. VCF-style: chr1-160123344-G-C. GRCh37 (hg19) VCF-style: chr1-160093134-G-C.
Other names: short protein forms W103C.
Identifiers: ClinVar variation 2731363 (VCV002731363.3), dbSNP rs2524854258, ClinGen allele CA343231481.